The following is an entry in ClinVar:

ClinVar aggregate classification (germline): Uncertain significance. Review status: criteria provided, multiple submitters, no conflicts (2 of 4 stars). 4 submissions from 4 submitters: Uncertain significance (4). Last evaluated 2026-08-12.

Conditions:
Familial thoracic aortic aneurysm and aortic dissection (TAAD). Also called: Thoracic aortic aneurysms and dissections. Identifiers: Orphanet 91387, MedGen C4707243, MONDO:0019625.
Visceral myopathy 2. Identifiers: MedGen C5543466, MONDO:0859157, OMIM 619350.
Megacystis-microcolon-intestinal hypoperistalsis syndrome 2. Identifiers: MedGen C5543476, MONDO:0025708, OMIM 619351.
Aortic aneurysm, familial thoracic 4 (AAT4). Also called: AORTIC ANEURYSM/AORTIC DISSECTION AND PATENT DUCTUS ARTERIOSUS. Identifiers: MedGen C1851504, MONDO:0007568, OMIM 132900.

Allele frequency attached by ClinVar (database versions not stated): gnomAD exomes below 0.00001; ExAC 0.00001; TOPMed below 0.00001.
gnomAD v4.1: 1 of 1,613,326 alleles (0.000062%); highest among the groups gnomAD compares: Non-Finnish European, 0.000085%; no homozygotes.

Submissions (4):

Ambry Genetics
Classification: Uncertain significance for Familial thoracic aortic aneurysm and aortic dissection. Last evaluated: 2026-08-12. Review status: criteria provided, single submitter. Criteria: Ambry Variant Classification Scheme 2023. Collection method: clinical testing. Allele origin: germline.
Comment: The p.E1709K variant (also known as c.5125G>A), located in coding exon 35 of the MYH11 gene, results from a G to A substitution at nucleotide position 5125. The glutamic acid at codon 1709 is replaced by lysine, an amino acid with similar properties. This amino acid position is highly conserved in available vertebrate species. In addition, the in silico prediction for this alteration is inconclusive. Based on the available evidence, the clinical significance of this variant remains unclear.

Color Diagnostics, LLC DBA Color Health
Classification: Uncertain significance for Familial thoracic aortic aneurysm and aortic dissection. Last evaluated: 2024-03-07. Review status: criteria provided, single submitter. Criteria: ACMG Guidelines, 2015. Collection method: clinical testing. Allele origin: germline.
Comment: This missense variant replaces glutamic acid with lysine at codon 1716 of the MYH11 protein. Computational prediction suggests that this variant may have deleterious impact on protein structure and function (internally defined REVEL score threshold >= 0.7, PMID: 27666373). To our knowledge, functional studies have not been reported for this variant. This variant has not been reported in individuals affected with MYH11-related disorders in the literature. This variant has been identified in 1/250824 chromosomes in the general population by the Genome Aggregation Database (gnomAD). The available evidence is insufficient to determine the role of this variant in disease conclusively. Therefore, this variant is classified as a Variant of Uncertain Significance.

All of Us Research Program, National Institutes of Health
Classification: Uncertain significance for Familial thoracic aortic aneurysm and aortic dissection. Last evaluated: 2023-05-04. Review status: criteria provided, single submitter. Criteria: ACMG Guidelines, 2015. Collection method: clinical testing. Allele origin: germline. Inheritance: Autosomal dominant inheritance. Observed: 2 variant alleles, 2 heterozygotes.
Comment: This missense variant replaces glutamic acid with lysine at codon 1716 of the MYH11 protein. Computational prediction tool suggests that this variant may have deleterious impact on protein structure and function (internally defined REVEL score threshold >=0.7, PMID: 27666373). Splice site prediction tools suggest that this variant may not impact RNA splicing. To our knowledge, functional studies have not been performed for this variant. This variant has not been reported in individuals affected with cardiovascular disorders in the literature. This variant has been identified in 1/250824 chromosomes in the general population by the Genome Aggregation Database (gnomAD). The available evidence is insufficient to determine the role of this variant in disease conclusively. Therefore, this variant is classified as a Variant of Uncertain Significance.

This study involves interpretation of variants in research participants for the purpose of population health screening. Participant phenotype was not available at the time of variant classification. Additional details can be found in publication PMID: 35346344, PMCID: PMC8962531

Fulgent Genetics
Classification: Uncertain significance for Aortic aneurysm, familial thoracic 4; Visceral myopathy 2; Megacystis-microcolon-intestinal hypoperistalsis syndrome 2. Last evaluated: 2021-10-26. Review status: criteria provided, single submitter. Criteria: ACMG Guidelines, 2015. Collection method: clinical testing. Allele origin: unknown.

NM_002474.3(MYH11):c.5125G>A (p.Glu1709Lys)

Genes: MYH11 (myosin heavy chain 11; minus strand), NDE1 (nudE neurodevelopment protein 1; plus strand). Cytogenetic location: 16p13.11.
Variant type: single nucleotide variant.
Coding change: c.5125G>A on transcript NM_002474.3 (MANE Select); coding-DNA position 5125, G replaced by A.
Protein change: p.Glu1709Lys; replaces glutamic acid 1709 with lysine.
Molecular consequence: missense variant. On other transcripts: intron variant (2).
Genome position (GRCh38, 1-based): chr16:15,719,266, C>T on the plus strand (G>A on the coding strand, the complement: MYH11 is on the minus strand). VCF-style: chr16-15719266-C-T. GRCh37 (hg19) VCF-style: chr16-15813123-C-T.
Other names: c.5146G>A, p.Glu1716Lys (NM_001040114.2, NM_001040113.2); c.5125G>A, p.Glu1709Lys (NM_022844.3); c.948-4925C>T (NM_001143979.2, NM_017668.3); c.5125G>A (NM_002474.2); short protein forms E1716K, E1709K.
Identifiers: ClinVar variation 923603 (VCV000923603.8), dbSNP rs769202751, ClinGen allele CA7921409.